The following is an entry in ClinVar:

ClinVar aggregate classification (germline): Uncertain significance. Review status: criteria provided, multiple submitters, no conflicts (2 of 4 stars). 2 submissions from 2 submitters: Uncertain significance (2). Last evaluated 2024-11-13.

Conditions:
Myofibrillar myopathy 5. Also called: Filaminopathy (type); FILAMINOPATHY, AUTOSOMAL DOMINANT. Identifiers: Orphanet 171445, MedGen C1836050, MONDO:0012289, OMIM 609524.
Hypertrophic cardiomyopathy 26. Also called: Cardiomyopathy, familial hypertrophic, 26. Identifiers: Orphanet 75249, MedGen C4310749, MONDO:0014883, OMIM 617047.
Distal myopathy with posterior leg and anterior hand involvement. Also called: WILLIAMS DISTAL MYOPATHY. Identifiers: Orphanet 63273, MedGen C3279722, MONDO:0013550, OMIM 614065.
SUDDEN INFANT DEATH SYNDROME (SIDS). Also called: Sudden Infant Death. Identifiers: MedGen C0038644, MeSH D013398, OMIM 272120.

Allele frequency attached by ClinVar (database versions not stated): gnomAD exomes below 0.00001.
gnomAD v4.1: 1 of 1,593,216 alleles (0.000063%); highest among the groups gnomAD compares: Non-Finnish European, 0.000085%; no homozygotes.

Submissions (2):

Labcorp Genetics (formerly Invitae), Labcorp
Classification: Uncertain significance for Distal myopathy with posterior leg and anterior hand involvement; Myofibrillar myopathy 5; Hypertrophic cardiomyopathy 26. Last evaluated: 2024-11-13. Review status: criteria provided, single submitter. Criteria: Invitae Variant Classification Sherloc (09022015). Collection method: clinical testing. Allele origin: germline.
Comment: This sequence change falls in intron 22 of the FLNC gene. It does not directly change the encoded amino acid sequence of the FLNC protein. It affects a nucleotide within the consensus splice site. This variant is not present in population databases (gnomAD no frequency). This variant has not been reported in the literature in individuals affected with FLNC-related conditions. ClinVar contains an entry for this variant (Variation ID: 1327131). Variants that disrupt the consensus splice site are a relatively common cause of aberrant splicing (PMID: 17576681, 9536098). Algorithms developed to predict the effect of sequence changes on RNA splicing suggest that this variant may disrupt the consensus splice site. In summary, the available evidence is currently insufficient to determine the role of this variant in disease. Therefore, it has been classified as a Variant of Uncertain Significance.

Robert's Program, Boston Children's Hospital
Classification: Uncertain significance for SUDDEN INFANT DEATH SYNDROME. Last evaluated: 2021-10-01. Review status: criteria provided, single submitter. Criteria: ACMG Guidelines, 2015. Collection method: research. Allele origin: germline. Affected: yes.
Comment: We classify this variant as a variant of uncertain significance using ACMG/AMP criteria. As this variant is a deleterious splicing variant, we suspect this variant is favoring pathogenic.

Literature cited by the submitters: PubMed 17576681 (cited by Labcorp Genetics (formerly Invitae), Labcorp); PubMed 9536098 (cited by Labcorp Genetics (formerly Invitae), Labcorp).

NM_001458.5(FLNC):c.3964+5G>A

Gene: FLNC (filamin C; plus strand). Cytogenetic location: 7q32.1.
Variant type: single nucleotide variant.
Coding change: c.3964+5G>A on transcript NM_001458.5 (MANE Select); 5 bases into the intron after coding-DNA position 3964, G replaced by A.
Molecular consequence: intron variant.
Genome position (GRCh38, 1-based): chr7:128,846,168, G>A. VCF-style: chr7-128846168-G-A. GRCh37 (hg19) VCF-style: chr7-128486222-G-A.
Other names: c.3964+5G>A (NM_001127487.2).
Identifiers: ClinVar variation 1327131 (VCV001327131.8), dbSNP rs2128936793, ClinGen allele CA2573052813.
Genomic context (GRCh38, chr7:128,846,168, plus strand): 5'-TGTGACAGACAATGGGGACGGCACCTACCGAGTGCAGTACACCGCCTACGAGGAGGGTGA[G>A]GGCCGGTGGGCCAGGCTAGTGGGCAGGGCTGGGCAAGTGGGCAGGGCCGGGATCTGATGA-3'